The following is an entry in ClinVar:

ClinVar aggregate classification (germline): Uncertain significance (1 of 4 stars; one submission).

Conditions:
Hereditary spastic paraplegia 50 (SPG50). Also called: Spastic paraplegia 50, autosomal recessive. Identifiers: Orphanet 280763, MedGen C2752008, MONDO:0013048, OMIM 612936.

Allele frequency attached by ClinVar (database versions not stated): gnomAD 0.00001; TOPMed 0.00001; gnomAD exomes 0.00004 and 0.00008; ExAC 0.00013.

Submission:

Labcorp Genetics (formerly Invitae), Labcorp
Classification: Uncertain significance for Hereditary spastic paraplegia 50. Last evaluated: 2022-07-06. Review status: criteria provided, single submitter. Criteria: Invitae Variant Classification Sherloc (09022015). Collection method: clinical testing. Allele origin: germline.
Comment: This sequence change replaces aspartic acid, which is acidic and polar, with asparagine, which is neutral and polar, at codon 447 of the AP4M1 protein (p.Asp447Asn). This variant is present in population databases (rs772970558, gnomAD 0.01%). This variant has not been reported in the literature in individuals affected with AP4M1-related conditions. ClinVar contains an entry for this variant (Variation ID: 860581). Algorithms developed to predict the effect of missense changes on protein structure and function output the following: SIFT: "Tolerated"; PolyPhen-2: "Benign"; Align-GVGD: "Class C0". The asparagine amino acid residue is found in multiple mammalian species, which suggests that this missense change does not adversely affect protein function. In summary, the available evidence is currently insufficient to determine the role of this variant in disease. Therefore, it has been classified as a Variant of Uncertain Significance.

NM_004722.4(AP4M1):c.1339G>A (p.Asp447Asn)

Gene: AP4M1 (adaptor related protein complex 4 subunit mu 1; plus strand). Cytogenetic location: 7q22.1.
Variant type: single nucleotide variant.
Coding change: c.1339G>A on transcript NM_004722.4 (MANE Select); coding-DNA position 1339, G replaced by A.
Protein change: p.Asp447Asn; replaces aspartic acid 447 with asparagine.
Molecular consequence: missense variant.
Genome position (GRCh38, 1-based): chr7:100,106,859, G>A. VCF-style: chr7-100106859-G-A. GRCh37 (hg19) VCF-style: chr7-99704482-G-A.
Other names: c.1360G>A, p.Asp454Asn (NM_001363671.2); short protein forms D454N, D447N.
Identifiers: ClinVar variation 860581 (VCV000860581.8), dbSNP rs772970558, ClinGen allele CA4375072.